The following is an entry in ClinVar:

NM_020632.3(ATP6V0A4):c.844C>T (p.Gln282Ter)

Gene: ATP6V0A4 (ATPase H+ transporting V0 subunit a4; minus strand). Cytogenetic location: 7q34.
Variant type: single nucleotide variant.
Coding change: c.844C>T on transcript NM_020632.3 (MANE Select); coding-DNA position 844, C replaced by T.
Protein change: p.Gln282Ter; replaces glutamine 282 with a stop codon.
Molecular consequence: nonsense.
Genome position (GRCh38, 1-based): chr7:138,752,810, G>A on the plus strand (C>T on the coding strand, the complement: ATP6V0A4 is on the minus strand). VCF-style: chr7-138752810-G-A. GRCh37 (hg19) VCF-style: chr7-138437555-G-A.
Other names: c.844C>T, p.Gln282Ter (NM_130840.3, NM_130841.3); short protein forms Q282*.
Identifiers: ClinVar variation 5007161 (VCV005007161.2).

ClinVar aggregate classification (germline): Pathogenic (1 of 4 stars; one submission).

Conditions:
Renal tubular acidosis, distal, 3, with or without sensorineural hearing loss (DRTA3). Identifiers: MedGen C5399980, MONDO:0011268, OMIM 602722.

Submission:

Juno Genomics, Hangzhou Juno Genomics, Inc
Classification: Pathogenic for Renal tubular acidosis, distal, 3, with or without sensorineural hearing loss. Review status: criteria provided, single submitter. Criteria: ACMG Guidelines, 2015. Collection method: clinical testing. Allele origin: germline.
Comment: Absent from controls (or at extremely low frequency if recessive) in Genome Aggregation Database.;Null variant in a gene where loss of function (LOF) is a known mechanism of disease.;For recessive disorders, detected in trans with a pathogenic variant.